The following is an entry in ClinVar:

NM_002691.4(POLD1):c.539G>C (p.Arg180Thr)

Gene: POLD1 (DNA polymerase delta 1, catalytic subunit; plus strand). Cytogenetic location: 19q13.33.
Variant type: single nucleotide variant.
Coding change: c.539G>C on transcript NM_002691.4 (MANE Select); coding-DNA position 539, G replaced by C.
Protein change: p.Arg180Thr; replaces arginine 180 with threonine.
Molecular consequence: missense variant. On other transcripts: non-coding transcript variant (1).
Genome position (GRCh38, 1-based): chr19:50,402,074, G>C. VCF-style: chr19-50402074-G-C. GRCh37 (hg19) VCF-style: chr19-50905331-G-C.
Other names: c.539G>C, p.Arg180Thr (NM_001256849.1, NM_001308632.1); short protein forms R180T.
Identifiers: ClinVar variation 2099145 (VCV002099145.4), dbSNP rs1421550547, ClinGen allele CA406973234.

ClinVar aggregate classification (germline): Uncertain significance (1 of 4 stars; one submission).

Conditions:
POLD1-related polyposis and colorectal cancer syndrome (CRCS10). Also called: Colorectal cancer 10; COLORECTAL CANCER, SUSCEPTIBILITY TO, ON CHROMOSOME 19q; Colorectal cancer, susceptibility to, 10. Identifiers: Orphanet 220460, MedGen C2675481, MONDO:0012953, OMIM 612591.

Submission:

Labcorp Genetics (formerly Invitae), Labcorp
Classification: Uncertain significance for POLD1-related polyposis and colorectal cancer syndrome. Last evaluated: 2024-04-22. Review status: criteria provided, single submitter. Criteria: Invitae Variant Classification Sherloc (09022015). Collection method: clinical testing. Allele origin: germline.
Comment: This sequence change replaces arginine, which is basic and polar, with threonine, which is neutral and polar, at codon 180 of the POLD1 protein (p.Arg180Thr). This variant is not present in population databases (gnomAD no frequency). This variant has not been reported in the literature in individuals affected with POLD1-related conditions. ClinVar contains an entry for this variant (Variation ID: 2099145). An algorithm developed to predict the effect of missense changes on protein structure and function (PolyPhen-2) suggests that this variant is likely to be tolerated. In summary, the available evidence is currently insufficient to determine the role of this variant in disease. Therefore, it has been classified as a Variant of Uncertain Significance.